The following is an entry in ClinVar:

NM_000020.3(ACVRL1):c.770T>C (p.Leu257Pro)

Gene: ACVRL1 (activin A receptor like type 1; plus strand). Cytogenetic location: 12q13.13.
Variant type: single nucleotide variant.
Coding change: c.770T>C on transcript NM_000020.3 (MANE Select); coding-DNA position 770, T replaced by C.
Protein change: p.Leu257Pro; replaces leucine 257 with proline.
Molecular consequence: missense variant.
Genome position (GRCh38, 1-based): chr12:51,914,583, T>C. VCF-style: chr12-51914583-T-C. GRCh37 (hg19) VCF-style: chr12-52308367-T-C.
Other names: c.770T>C, p.Leu257Pro (NM_001077401.2); short protein forms L257P.
Identifiers: ClinVar variation 1678595 (VCV001678595.3), dbSNP rs2139071033, ClinGen allele CA384900264.

ClinVar aggregate classification (germline): Uncertain significance. Review status: criteria provided, multiple submitters, no conflicts (2 of 4 stars). 2 submissions from 2 submitters: Uncertain significance (2). Last evaluated 2023-03-30.

Conditions:
Telangiectasia, hereditary hemorrhagic, type 2 (HHT2). Also called: ACVRL1-Related Hereditary Hemorrhagic Telangiectasia; Telangiectasia, hereditary hemorrhagic, type II. Identifiers: Orphanet 774, MedGen C1838163, MONDO:0010880, OMIM 600376. Disease mechanism: loss of function.

Submissions (2):

Molecular Genetics, Royal Melbourne Hospital
Classification: Uncertain significance for Telangiectasia, hereditary hemorrhagic, type 2. Last evaluated: 2023-03-30. Review status: criteria provided, single submitter. Criteria: ACMG Guidelines, 2015. Collection method: clinical testing. Allele origin: germline. Affected: yes.
Comment: This sequence change is predicted to replace leucine with proline at codon 257 of the ACVRL1 protein, p.(Leu257Pro). The leucine residue is evolutionary conserved (100 vertebrates, UCSC), and is located within the Serine/Threonine protein kinase domain. There is a moderate physicochemical difference between leucine and proline. This variant also falls within the exon 6 consensus donor splice site, 3 nucleotides from the exon/intron boundary. The exon 6 native donor site contains non-canonical dinucleotides (GC rather than GT). The variant is absent in a large population cohort (gnomAD v2.1 and v3), and has not been reported in the relevant medical literature or databases. Multiple lines of computational evidence predict no splice defect, but these programs are trained for canonical donor splice site (GT) prediction (dbscSNV, MaxEntScan, NNSplice). Additionally, multiple lines of computational evidence predict a deleterious effect for the missense substitution (4/6 algorithms). Based on the classification scheme RMH ACMG Guidelines v1.2.1, this variant is classified as a VARIANT OF UNCERTAIN SIGNIFICANCE. Following criteria are met: PM2, PS4_Supporting, PP3.

Blueprint Genetics
Classification: Uncertain significance. Last evaluated: 2021-04-13. Review status: criteria provided, single submitter. Criteria: ACMG Guidelines, 2015. Collection method: clinical testing. Allele origin: germline.